The following is an entry in ClinVar:

NM_001999.4(FBN2):c.3628del (p.Leu1210fs)

Gene: FBN2 (fibrillin 2; minus strand). Cytogenetic location: 5q23.3.
Variant type: Deletion.
Coding change: c.3628del on transcript NM_001999.4 (MANE Select); coding-DNA position 3628, one base deleted (C; older notation c.3628delC).
Protein change: p.Leu1210fs; shifts the reading frame from leucine 1210.
Molecular consequence: frameshift variant.
Genome position (GRCh38, 1-based): chr5:128,336,084, G deleted on the plus strand (C on the coding strand, the reverse complement: FBN2 is on the minus strand). VCF-style (leftmost placement, unchanged base first): chr5-128336083-AG-A. GRCh37 (hg19) VCF-style: chr5-127671775-AG-A.
Other names: short protein forms L1210fs.
Identifiers: ClinVar variation 5018170 (VCV005018170.1).

ClinVar aggregate classification (germline): Uncertain significance (1 of 4 stars; one submission).

Submission:

GeneDx
Classification: Uncertain significance. Last evaluated: 2026-04-07. Review status: criteria provided, single submitter. Criteria: GeneDx Variant Classification Process June 2021. Collection method: clinical testing. Allele origin: germline.
Comment: Not observed at significant frequency in large population cohorts (gnomAD); Frameshift variant predicted to result in protein truncation or nonsense mediated decay in a gene or region of a gene for which loss of function is not a well-established mechanism of disease; Has not been previously published as pathogenic or benign to our knowledge